The following is an entry in ClinVar:

ClinVar aggregate classification (germline): Uncertain significance (1 of 4 stars; one submission).

Allele frequency attached by ClinVar (database versions not stated): gnomAD exomes below 0.00001 and 0.00001; ExAC 0.00001; TOPMed 0.00005; gnomAD 0.00006 and 0.00007.

Submission:

Labcorp Genetics (formerly Invitae), Labcorp
Classification: Uncertain significance. Last evaluated: 2023-03-17. Review status: criteria provided, single submitter. Criteria: Invitae Variant Classification Sherloc (09022015). Collection method: clinical testing. Allele origin: germline.
Comment: This sequence change replaces valine, which is neutral and non-polar, with methionine, which is neutral and non-polar, at codon 217 of the ARPC1B protein (p.Val217Met). In summary, the available evidence is currently insufficient to determine the role of this variant in disease. Therefore, it has been classified as a Variant of Uncertain Significance. Advanced modeling of protein sequence and biophysical properties (such as structural, functional, and spatial information, amino acid conservation, physicochemical variation, residue mobility, and thermodynamic stability) performed at Invitae indicates that this missense variant is not expected to disrupt ARPC1B protein function. ClinVar contains an entry for this variant (Variation ID: 1463155). This variant has not been reported in the literature in individuals affected with ARPC1B-related conditions. This variant is present in population databases (rs763336010, gnomAD 0.008%).

NM_005720.4(ARPC1B):c.649G>A (p.Val217Met)

Gene: ARPC1B (actin related protein 2/3 complex subunit 1B; plus strand). Cytogenetic location: 7q22.1.
Variant type: single nucleotide variant.
Coding change: c.649G>A on transcript NM_005720.4 (MANE Select); coding-DNA position 649, G replaced by A.
Protein change: p.Val217Met; replaces valine 217 with methionine.
Molecular consequence: missense variant.
Genome position (GRCh38, 1-based): chr7:99,391,041, G>A. VCF-style: chr7-99391041-G-A. GRCh37 (hg19) VCF-style: chr7-98988664-G-A.
Other names: short protein forms V217M.
Identifiers: ClinVar variation 1463155 (VCV001463155.4), dbSNP rs763336010, ClinGen allele CA4364078.